The following is an entry in ClinVar:

ClinVar aggregate classification (germline): Uncertain significance (1 of 4 stars; one submission).

Submission:

Labcorp Genetics (formerly Invitae), Labcorp
Classification: Uncertain significance. Last evaluated: 2022-08-22. Review status: criteria provided, single submitter. Criteria: Invitae Variant Classification Sherloc (09022015). Collection method: clinical testing. Allele origin: germline.
Comment: In summary, the available evidence is currently insufficient to determine the role of this variant in disease. Therefore, it has been classified as a Variant of Uncertain Significance. Algorithms developed to predict the effect of sequence changes on RNA splicing suggest that this variant may disrupt the consensus splice site. Algorithms developed to predict the effect of missense changes on protein structure and function (SIFT, PolyPhen-2, Align-GVGD) all suggest that this variant is likely to be tolerated. This variant has not been reported in the literature in individuals affected with IFNAR1-related conditions. This variant is not present in population databases (gnomAD no frequency). This sequence change replaces proline, which is neutral and non-polar, with alanine, which is neutral and non-polar, at codon 230 of the IFNAR1 protein (p.Pro230Ala).

NM_000629.3(IFNAR1):c.688C>G (p.Pro230Ala)

Gene: IFNAR1 (interferon alpha and beta receptor subunit 1; plus strand). Cytogenetic location: 21q22.11.
Variant type: single nucleotide variant.
Coding change: c.688C>G on transcript NM_000629.3 (MANE Select); coding-DNA position 688, C replaced by G.
Protein change: p.Pro230Ala; replaces proline 230 with alanine.
Molecular consequence: missense variant. On other transcripts: 5 prime UTR variant (1).
Genome position (GRCh38, 1-based): chr21:33,345,260, C>G. VCF-style: chr21-33345260-C-G. GRCh37 (hg19) VCF-style: chr21-34717566-C-G.
Other names: c.688C>G, p.Pro230Ala (NM_001384498.1, NM_001384499.1, NM_001384501.1 and 1 more transcripts); c.-75C>G (NM_001384500.1); c.226C>G, p.Pro76Ala (NM_001384502.1); c.481C>G, p.Pro161Ala (NM_001384504.1); short protein forms P161A, P230A, P76A.
Identifiers: ClinVar variation 1717618 (VCV001717618.5), dbSNP rs2083334459, ClinGen allele CA410107944.